The following is an entry in ClinVar:

ClinVar aggregate classification (germline): Pathogenic (1 of 4 stars; one submission).

Conditions:
Familial cancer of breast. Also called: hereditary breast carcinoma; BREAST CANCER, FAMILIAL; Hereditary breast cancer. Identifiers: Orphanet 227535, MedGen C0346153, MONDO:0016419, OMIM 114480. Disease mechanism: loss of function.
Fanconi anemia complementation group J. Also called: BRIP1-Related Fanconi Anemia. Identifiers: Orphanet 84, MedGen C1836860, MONDO:0012187, OMIM 609054.

Submission:

Labcorp Genetics (formerly Invitae), Labcorp
Classification: Pathogenic for Familial cancer of breast; Fanconi anemia complementation group J. Last evaluated: 2022-07-03. Review status: criteria provided, single submitter. Criteria: Invitae Variant Classification Sherloc (09022015). Collection method: clinical testing. Allele origin: germline.
Comment: For these reasons, this variant has been classified as Pathogenic. This variant has not been reported in the literature in individuals affected with BRIP1-related conditions. This variant is not present in population databases (gnomAD no frequency). This sequence change creates a premature translational stop signal (p.Thr484Asnfs*27) in the BRIP1 gene. It is expected to result in an absent or disrupted protein product. Loss-of-function variants in BRIP1 are known to be pathogenic (PMID: 16116423, 17033622, 21964575).

Literature cited by the submitters: PubMed 16116423; PubMed 17033622; PubMed 21964575.

NM_032043.3(BRIP1):c.1450dup (p.Thr484fs)

Gene: BRIP1 (BRCA1 interacting DNA helicase 1; minus strand). Cytogenetic location: 17q23.2.
Variant type: Duplication.
Coding change: c.1450dup on transcript NM_032043.3 (MANE Select); coding-DNA position 1450, one base duplicated (A; older notation c.1450dupA).
Protein change: p.Thr484fs; shifts the reading frame from threonine 484.
Molecular consequence: frameshift variant.
Genome position (GRCh38, 1-based): chr17:61,793,620, T duplicated on the plus strand (A on the coding strand, the reverse complement: BRIP1 is on the minus strand). VCF-style (leftmost placement, unchanged base first): chr17-61793619-G-GT. GRCh37 (hg19) VCF-style: chr17-59870980-G-GT.
Other names: short protein forms T484fs.
Identifiers: ClinVar variation 2013656 (VCV002013656.4), dbSNP rs2545106040, ClinGen allele CA2580094515.